The following is an entry in ClinVar:

ClinVar aggregate classification (germline): Pathogenic/Likely pathogenic. Review status: criteria provided, multiple submitters, no conflicts (2 of 4 stars). 2 submissions from 2 submitters: Pathogenic (1); Likely pathogenic (1). Last evaluated 2024-10-06.

Conditions:
Familial hypocalciuric hypercalcemia (FHH). Also called: Familial benign hypercalcemia. Identifiers: Orphanet 405, MedGen C1809471, MONDO:0018458.
Autosomal dominant hypocalcemia 1 (HYPOC1). Also called: HYPOCALCEMIA, FAMILIAL. Identifiers: MedGen C3715128, MONDO:0011013, OMIM 601198.

Allele frequency attached by ClinVar (database versions not stated): TOPMed below 0.00001; gnomAD 0.00001.

Submissions (2):

Labcorp Genetics (formerly Invitae), Labcorp
Classification: Pathogenic for Familial hypocalciuric hypercalcemia; Autosomal dominant hypocalcemia 1. Last evaluated: 2024-10-06. Review status: criteria provided, single submitter. Criteria: Invitae Variant Classification Sherloc (09022015). Collection method: clinical testing. Allele origin: germline.
Comment: This sequence change affects the initiator methionine of the CASR mRNA. The next in-frame methionine is located at codon 74. This variant is not present in population databases (gnomAD no frequency). Disruption of the initiator codon has been observed in individual(s) with clinical features of autosomal recessive neonatal severe hyperparathyroidism (PMID: 17121537). ClinVar contains an entry for this variant (Variation ID: 2035301). Algorithms developed to predict the effect of variants on gene product structure and function are not available or were not evaluated for this variant. Experimental studies have shown that disruption of the initiator codon affects CASR function (PMID: 17121537). This variant disrupts a region of the CASR protein in which other variant(s) (p.Pro55Leu) have been determined to be pathogenic (PMID: 8675635, 8878438, 12580936, 19389809). This suggests that this is a clinically significant region of the protein, and that variants that disrupt it are likely to be disease-causing. For these reasons, this variant has been classified as Pathogenic.

Women's Health and Genetics/Laboratory Corporation of America, LabCorp
Classification: Likely pathogenic for Familial hypocalciuric hypercalcemia. Last evaluated: 2023-09-26. Review status: criteria provided, single submitter. Criteria: LabCorp Variant Classification Summary - May 2015. Collection method: clinical testing. Allele origin: germline.
Comment: Variant summary: CASR c.2T>C (p.Met1?) alters the initiation codon and is predicted to result either in absence of the protein or truncation of the encoded protein due to translation initiation at a downstream codon. The next in-frame Methionine is located at codon 74 (c.220 to c.222) in exon 3 of the coding sequence. Other pathogenic variants upstream of this location have been classified as pathogenic in association with Familial Hypocalciuric Hypercalcemia (FHH) or Neonatal Severe Hyperparathyroidism (NSHPT) by our laboratory (example, c.206G>A, p.Arg69His, c.164C>T, p.Pro55Leu and c.157T>C, p.Ser53Pro) supporting a critical relevance of this domain for overall protein function. The variant was absent in 251304 control chromosomes. To our knowledge, no occurrence of c.2T>C in individuals affected with Familial Hypocalciuric Hypercalcemia/Neonatal Severe Hyperparathyroidism and no experimental evidence demonstrating its impact on protein function have been reported. One submitter has cited clinical-significance assessments for this variant to ClinVar after 2014 and has classified the variant as pathogenic. Based on the evidence outlined above, the variant was classified as likely pathogenic.

Literature cited by the submitters: PubMed 17121537 (cited by Labcorp Genetics (formerly Invitae), Labcorp); PubMed 8675635 (cited by Labcorp Genetics (formerly Invitae), Labcorp); PubMed 8878438 (cited by Labcorp Genetics (formerly Invitae), Labcorp); PubMed 12580936 (cited by Labcorp Genetics (formerly Invitae), Labcorp); PubMed 19389809 (cited by Labcorp Genetics (formerly Invitae), Labcorp).

NM_000388.4(CASR):c.2T>C (p.Met1Thr)

Gene: CASR (calcium sensing receptor; plus strand). Cytogenetic location: 3q21.1.
Variant type: single nucleotide variant.
Coding change: c.2T>C on transcript NM_000388.4 (MANE Select); coding-DNA position 2, T replaced by C.
Protein change: p.Met1Thr; changes the start codon (methionine 1).
Molecular consequence: missense variant, initiator codon variant.
Genome position (GRCh38, 1-based): chr3:122,254,191, T>C. VCF-style: chr3-122254191-T-C. GRCh37 (hg19) VCF-style: chr3-121973038-T-C.
Other names: c.2T>C, p.Met1Thr (NM_001178065.2); c.2T>C (NM_000388.3); short protein forms M1T.
Identifiers: ClinVar variation 2035301 (VCV002035301.6), dbSNP rs1467887809, ClinGen allele CA354361913.